The following is an entry in ClinVar:

NM_020975.6(RET):c.1438G>A (p.Glu480Lys)

Gene: RET (ret proto-oncogene; plus strand). Cytogenetic location: 10q11.21.
Variant type: single nucleotide variant.
Coding change: c.1438G>A on transcript NM_020975.6 (MANE Select); coding-DNA position 1438, G replaced by A.
Protein change: p.Glu480Lys; replaces glutamic acid 480 with lysine.
Molecular consequence: missense variant.
Genome position (GRCh38, 1-based): chr10:43,111,381, G>A. VCF-style: chr10-43111381-G-A. GRCh37 (hg19) VCF-style: chr10-43606829-G-A.
Other names: c.1438G>A, p.Glu480Lys (NM_000323.2, NM_001406743.1, NM_001406744.1 and 6 more transcripts); c.676G>A, p.Glu226Lys (NM_001355216.2); c.1309G>A, p.Glu437Lys (NM_001406761.1, NM_001406762.1, NM_001406764.1 and 1 more transcripts); c.1150G>A, p.Glu384Lys (NM_001406766.1, NM_001406767.1, NM_001406770.1); c.1042G>A, p.Glu348Lys (NM_001406769.1, NM_001406772.1); c.1000G>A, p.Glu334Lys (NM_001406771.1, NM_001406773.1); c.913G>A, p.Glu305Lys (NM_001406774.1); c.712G>A, p.Glu238Lys (NM_001406775.1, NM_001406776.1, NM_001406777.1 and 1 more transcripts); and 1 more; short protein forms E480K, E226K, E238K, E305K, E348K, E334K, E150K, E384K.
Identifiers: ClinVar variation 135189 (VCV000135189.27), dbSNP rs537874538, ClinGen allele CA007585.

ClinVar aggregate classification (germline): Conflicting classifications of pathogenicity. Review status: criteria provided, conflicting classifications (1 of 4 stars). 11 submissions from 10 submitters: Likely pathogenic (1); Uncertain significance (1); Likely benign (6). 3 of the submissions do not count toward it. Last evaluated 2026-06-02.

Conditions:
RET-related disorder. Also called: RET-related condition; RET-related disease; RET-related disorders.
Hereditary cancer-predisposing syndrome. Also called: Neoplastic Syndromes, Hereditary; Tumor predisposition; Hereditary Cancer Syndrome; Hereditary neoplastic syndrome. Identifiers: Orphanet 140162, MedGen C0027672, MeSH D009386, MONDO:0015356.
Multiple endocrine neoplasia, type 2 (MEN2). Identifiers: Orphanet 653, MedGen C4048306, MONDO:0019003. Disease mechanism: gain of function.
Hirschsprung disease, susceptibility to, 1 (HSCR1). Also called: RET-Related Hirschsprung Disease. Identifiers: Orphanet 388, MedGen C3888239, MONDO:0007723, OMIM 142623.
Multiple endocrine neoplasia type 2B. Also called: WAGENMANN-FROBOESE SYNDROME; MULTIPLE ENDOCRINE NEOPLASIA, TYPE III; Multiple endocrine neoplasia, type 3; MULTIPLE ENDOCRINE NEOPLASIA, TYPE IIB; MEN IIB; NEUROMATA, MUCOSAL, WITH ENDOCRINE TUMORS. Identifiers: Orphanet 247709, Orphanet 653, MedGen C0025269, MeSH D018814, MONDO:0008082, OMIM 162300.
Multiple endocrine neoplasia type 2A. Also called: MULTIPLE ENDOCRINE NEOPLASIA, TYPE IIA; PTC SYNDROME; SIPPLE SYNDROME; MEN 2A; MEN-2A syndrome; Pheochromocytoma and amyloid producing medullary thyroid carcinoma. Identifiers: Orphanet 247698, Orphanet 653, MedGen C0025268, MeSH D018813, MONDO:0008234, OMIM 171400.

Allele frequency attached by ClinVar (database versions not stated): gnomAD 0.00004 and 0.00009; TOPMed 0.00004; gnomAD exomes 0.00013 and 0.00027; ExAC 0.00031; 1000 Genomes Project 30x 0.00062; 1000 Genomes Project 0.00080.
gnomAD v4.1: 209 of 1,613,958 alleles (0.013%); highest among the groups gnomAD compares: South Asian, 0.17%; 1 homozygote.

Submissions (11):

PreventionGenetics, part of Exact Sciences
Classification: Likely benign for RET-related condition. Last evaluated: 2026-06-02. Review status: criteria provided, single submitter. Criteria: ACMG Guidelines, 2015. Collection method: clinical testing. Allele origin: germline.
Comment: This variant is classified as likely benign based on ACMG/AMP sequence variant interpretation guidelines (Richards et al. 2015 PMID: 25741868, with internal and published modifications).

Labcorp Genetics (formerly Invitae), Labcorp
Classification: Likely benign for Multiple endocrine neoplasia, type 2. Last evaluated: 2025-12-20. Review status: criteria provided, single submitter. Criteria: Invitae Variant Classification Sherloc (09022015). Collection method: clinical testing. Allele origin: germline.

Color Diagnostics, LLC DBA Color Health
Classification: Likely benign for Multiple endocrine neoplasia, type 2. Last evaluated: 2023-01-26. Review status: criteria provided, single submitter. Criteria: ACMG Guidelines, 2015. Collection method: clinical testing. Allele origin: germline.

Sema4
Classification: Likely benign for Hereditary cancer-predisposing syndrome. Last evaluated: 2022-02-16. Review status: criteria provided, single submitter. Criteria: Sema4 Curation Guidelines. Collection method: curation. Allele origin: germline.

GeneDx
Classification: Likely benign. Last evaluated: 2020-11-20. Review status: criteria provided, single submitter. Criteria: GeneDx Variant Classification Process June 2021. Collection method: clinical testing. Allele origin: germline. Affected: yes.
Comment: In silico analysis supports that this missense variant does not alter protein structure/function; This variant is associated with the following publications: (PMID: 31742715, 18280283, 24728327, 12628594, 22174939, 11436122, 26152202)

Mendelics
Classification: Uncertain significance for Multiple endocrine neoplasia type 2A. Last evaluated: 2019-05-28. Review status: criteria provided, single submitter. Criteria: Mendelics Assertion Criteria 2017. Collection method: clinical testing. Allele origin: unknown.

Diagnostics Division, CENTRE FOR DNA FINGERPRINTING AND DIAGNOSTICS
Classification: Likely pathogenic for Hirschsprung disease, susceptibility to, 1. Last evaluated: 2019-02-22. Review status: criteria provided, single submitter. Criteria: ACMG Guidelines, 2015. Collection method: research. Allele origin: germline. Affected: yes. Observed: 1 heterozygote.

Ambry Genetics
Classification: Likely benign for Hereditary cancer-predisposing syndrome. Last evaluated: 2018-12-05. Review status: criteria provided, single submitter. Criteria: Ambry Variant Classification Scheme 2023. Collection method: clinical testing. Allele origin: germline.

Counsyl
Classification: Uncertain significance for Multiple endocrine neoplasia type 2B. Last evaluated: 2015-12-04. Review status: no assertion criteria provided. Collection method: clinical testing. Allele origin: unknown. Not counted in ClinVar's aggregate classification.

Counsyl
Classification: Uncertain significance for Multiple endocrine neoplasia type 2A. Last evaluated: 2015-12-04. Review status: no assertion criteria provided. Collection method: clinical testing. Allele origin: unknown. Not counted in ClinVar's aggregate classification.

ITMI
No classification provided. Condition: AllHighlyPenetrant. Last evaluated: 2013-09-19. Review status: no classification provided. Collection method: reference population. Allele origin: germline. Not counted in ClinVar's aggregate classification.
Comment: Please see associated publication for description of ethnicities

Literature cited by the submitters: PubMed 11436122 (cited by Diagnostics Division, CENTRE FOR DNA FINGERPRINTING AND DIAGNOSTICS and Ambry Genetics); PubMed 22174939 (cited by Ambry Genetics); PubMed 24728327 (cited by Ambry Genetics and ITMI).